The following is an entry in ClinVar:

ClinVar aggregate classification (germline): Uncertain significance. Review status: criteria provided, multiple submitters, no conflicts (2 of 4 stars). 2 submissions from 2 submitters: Uncertain significance (2). Last evaluated 2025-11-06.

Conditions:
Endometrial carcinoma. Also called: Endometrial carcinoma, somatic. Identifiers: MedGen C0476089, MONDO:0002447, OMIM 608089, HP:0012114.
Colorectal cancer. Also called: Colorectal cancer, somatic; Malignant Colorectal Neoplasm. Identifiers: MedGen C0346629, MONDO:0005575, OMIM 114500.
Colorectal cancer, hereditary nonpolyposis, type 7. Identifiers: Orphanet 144, MedGen C1858380, MONDO:0013725, OMIM 614385.

gnomAD v4.1: 4 of 1,613,960 alleles (0.00025%); highest among the groups gnomAD compares: Non-Finnish European, 0.00034%; no homozygotes.

Submissions (2):

Ambry Genetics
Classification: Uncertain significance. Last evaluated: 2025-11-06. Review status: criteria provided, single submitter. Criteria: Ambry Variant Classification Scheme 2023. Collection method: clinical testing. Allele origin: germline.
Comment: The p.P564L variant (also known as c.1691C>T), located in coding exon 1 of the MLH3 gene, results from a C to T substitution at nucleotide position 1691. The proline at codon 564 is replaced by leucine, an amino acid with similar properties. This amino acid position is not well conserved in available vertebrate species. In addition, this alteration is predicted to be tolerated by in silico analysis. The evidence for this gene-disease relationship is limited; therefore, the clinical significance of this alteration is unclear.

Fulgent Genetics
Classification: Uncertain significance for Colorectal cancer; Endometrial carcinoma; Colorectal cancer, hereditary nonpolyposis, type 7. Last evaluated: 2024-06-19. Review status: criteria provided, single submitter. Criteria: ACMG Guidelines, 2015. Collection method: clinical testing. Allele origin: germline.

NM_001040108.2(MLH3):c.1691C>T (p.Pro564Leu)

Gene: MLH3 (mutL homolog 3; minus strand). Cytogenetic location: 14q24.3.
Variant type: single nucleotide variant.
Coding change: c.1691C>T on transcript NM_001040108.2 (MANE Select); coding-DNA position 1691, C replaced by T.
Protein change: p.Pro564Leu; replaces proline 564 with leucine.
Molecular consequence: missense variant.
Genome position (GRCh38, 1-based): chr14:75,047,965, G>A on the plus strand (C>T on the coding strand, the complement: MLH3 is on the minus strand). VCF-style: chr14-75047965-G-A. GRCh37 (hg19) VCF-style: chr14-75514668-G-A.
Other names: c.1691C>T, p.Pro564Leu (NM_014381.3); short protein forms P564L.
Identifiers: ClinVar variation 3576760 (VCV003576760.2).